The following is an entry in ClinVar:

ClinVar aggregate classification (germline): Likely pathogenic (1 of 4 stars; one submission).

Conditions:
Schimke immuno-osseous dysplasia (SIOD). Also called: Schimke Immunoosseous Dysplasia. Identifiers: Orphanet 1830, MedGen C0877024, MONDO:0009458, OMIM 242900.

Allele frequency attached by ClinVar (database versions not stated): gnomAD exomes below 0.00001.
gnomAD v4.1: 1 of 1,613,960 alleles (0.000062%); highest among the groups gnomAD compares: Non-Finnish European, 0.000085%; no homozygotes.

Submission:

Labcorp Genetics (formerly Invitae), Labcorp
Classification: Likely pathogenic for Schimke immuno-osseous dysplasia. Last evaluated: 2023-09-25. Review status: criteria provided, single submitter. Criteria: Invitae Variant Classification Sherloc (09022015). Collection method: clinical testing. Allele origin: germline.
Comment: In summary, the currently available evidence indicates that the variant is pathogenic, but additional data are needed to prove that conclusively. Therefore, this variant has been classified as Likely Pathogenic. Algorithms developed to predict the effect of sequence changes on RNA splicing suggest that this variant may disrupt the consensus splice site. Disruption of this splice site has been observed in individual(s) with nephrotic syndrome (PMID: 32604935). This variant is present in population databases (no rsID available, gnomAD 0.0009%). This sequence change affects a donor splice site in intron 11 of the SMARCAL1 gene. It is expected to disrupt RNA splicing. Variants that disrupt the donor or acceptor splice site typically lead to a loss of protein function (PMID: 16199547), and loss-of-function variants in SMARCAL1 are known to be pathogenic (PMID: 11799392, 20301550).

Literature cited by the submitters: PubMed 32604935; PubMed 16199547; PubMed 11799392; PubMed 20301550.

NM_014140.4(SMARCAL1):c.1851+1G>A

Gene: SMARCAL1 (SNF2 related chromatin remodeling annealing helicase 1; plus strand). Cytogenetic location: 2q35.
Variant type: single nucleotide variant.
Coding change: c.1851+1G>A on transcript NM_014140.4 (MANE Select); the canonical splice donor site of the intron after coding-DNA position 1851, G replaced by A.
Molecular consequence: splice donor variant.
Genome position (GRCh38, 1-based): chr2:216,447,159, G>A. VCF-style: chr2-216447159-G-A. GRCh37 (hg19) VCF-style: chr2-217311882-G-A.
Other names: c.1851+1G>A (NM_001127207.2).
Identifiers: ClinVar variation 2763288 (VCV002763288.3), dbSNP rs1367550528, ClinGen allele CA350501883.